The following is an entry in ClinVar:

ClinVar aggregate classification (germline): Conflicting classifications of pathogenicity. Review status: criteria provided, conflicting classifications (1 of 4 stars). 7 submissions from 7 submitters: Pathogenic (2); Likely pathogenic (4); Uncertain significance (1). Last evaluated 2026-05-29.

Conditions:
MLC1-related disorder. Also called: MLC1-related condition.
Megalencephalic leukoencephalopathy with subcortical cysts. Also called: VAN DER KNAAP DISEASE. Identifiers: Orphanet 2478, MedGen C1858854, MONDO:0011391.
Megalencephalic leukoencephalopathy with subcortical cysts 1 (MLC1). Also called: LEUKOENCEPHALOPATHY WITH SWELLING AND CYSTS; VACUOLATING MEGALENCEPHALIC LEUKOENCEPHALOPATHY WITH SUBCORTICAL CYSTS. Identifiers: Orphanet 2478, MedGen C5779875, MONDO:0024555, OMIM 604004.

Allele frequency attached by ClinVar (database versions not stated): gnomAD 0.00001; TOPMed 0.00001.
gnomAD v4.1: 9 of 1,613,926 alleles (0.00056%); highest among the groups gnomAD compares: Non-Finnish European, 0.00068%; no homozygotes.

Submissions (7):

Myriad Genetics, Inc.
Classification: Uncertain significance for Megalencephalic leukoencephalopathy with subcortical cysts 1. Last evaluated: 2026-05-29. Review status: criteria provided, single submitter. Criteria: Myriad Autosomal Dominant, Autosomal Recessive and X-Linked Classification Criteria (2023). Collection method: clinical testing. Allele origin: unknown.
Comment: NM_015166.3(MLC1):c.251G>A(R84H) is a missense variant classified as a variant of uncertain significance in the context of megalencephalic leukoencephalopathy with subcortical cysts. R84H has been observed in a case with relevant disease (PMID: 15832614). Relevant functional assessments of this variant are not available in the literature. R84H has not been observed in referenced population frequency databases. In summary, there is insufficient evidence to classify NM_015166.3(MLC1):c.251G>A(R84H) as pathogenic or benign. Please note: this variant was assessed in the context of healthy population screening.

Labcorp Genetics (formerly Invitae), Labcorp
Classification: Pathogenic. Last evaluated: 2025-10-18. Review status: criteria provided, single submitter. Criteria: Invitae Variant Classification Sherloc (09022015). Collection method: clinical testing. Allele origin: germline.
Comment: This sequence change replaces arginine, which is basic and polar, with histidine, which is basic and polar, at codon 84 of the MLC1 protein (p.Arg84His). This variant is not present in population databases (gnomAD no frequency). This missense change has been observed in individual(s) with megalencephalic leukoencephalopathy with subcortical cysts (PMID: 15832614; internal data). In at least one individual the data is consistent with being in trans (on the opposite chromosome) from a pathogenic variant. It has also been observed to segregate with disease in related individuals. ClinVar contains an entry for this variant (Variation ID: 1331500). Invitae Evidence Modeling of protein sequence and biophysical properties (such as structural, functional, and spatial information, amino acid conservation, physicochemical variation, residue mobility, and thermodynamic stability) indicates that this missense variant is not expected to disrupt MLC1 protein function with a negative predictive value of 80%. This variant disrupts the p.Arg84 amino acid residue in MLC1. Other variant(s) that disrupt this residue have been determined to be pathogenic (PMID: 16652334, 25497041, 31302377). This suggests that this residue is clinically significant, and that variants that disrupt this residue are likely to be disease-causing. For these reasons, this variant has been classified as Pathogenic.

Natera, Inc.
Classification: Likely pathogenic for Megalencephalic leukoencephalopathy with subcortical cysts. Last evaluated: 2025-06-07. Review status: criteria provided, single submitter. Criteria: Natera Variant Classification Schema (03/2026). Collection method: clinical testing. Allele origin: germline.
Comment: The c.251G>A variant in MLC1 is a missense variant predicted to cause substitution of arginine to histidine at amino acid 84. This variant is rare in the general population with a frequency below the threshold expected for the associated phenotype(s). This variant has been observed in one or more individuals affected with the associated recessive disease, as either homozygous or compound heterozygous with a second variant (PMID: 15832614). Additionally, this variant has been observed to segregate in affected family members (PMID: 15832614). This variant has been identified in one or more affected individuals with a phenotype highly consistent with the associated gene (PMID: 15832614). A different variant at the same position has been determined to be Pathogenic or Likely Pathogenic. Computational prediction algorithms indicate this variant is likely to affect gene or protein function. Given the available evidence, this variant is classified as Likely Pathogenic.

Baylor Genetics
Classification: Likely pathogenic for Megalencephalic leukoencephalopathy with subcortical cysts 1. Last evaluated: 2024-02-20. Review status: criteria provided, single submitter. Criteria: ACMG Guidelines, 2015. Collection method: clinical testing. Allele origin: unknown.

GeneDx
Classification: Likely pathogenic. Last evaluated: 2024-02-15. Review status: criteria provided, single submitter. Criteria: GeneDx Variant Classification Process June 2021. Collection method: clinical testing. Allele origin: germline. Affected: yes.
Comment: Observed with a second MLC1 variant on the opposite allele (in trans) in two siblings with megalencephalic leukoencephalopathy with subcortical cysts in published literature (PMID: 15832614); Not observed at significant frequency in large population cohorts (gnomAD); In silico analysis supports that this missense variant has a deleterious effect on protein structure/function; This variant is associated with the following publications: (PMID: 15832614)

Women's Health and Genetics/Laboratory Corporation of America, LabCorp
Classification: Likely pathogenic for Megalencephalic leukoencephalopathy with subcortical cysts. Last evaluated: 2021-12-29. Review status: criteria provided, single submitter. Criteria: LabCorp Variant Classification Summary - May 2015. Collection method: clinical testing. Allele origin: germline.
Comment: Variant summary: MLC1 c.251G>A (p.Arg84His) results in a non-conservative amino acid change in the encoded protein sequence. Five of five in-silico tools predict a damaging effect of the variant on protein function. The variant was absent in 251138 control chromosomes. c.251G>A has been reported in the literature in one pair of compound heterozygous siblings affected with Megalencephalic Leukoencephalopathy With Subcortical Cysts 1 with unaffected parents. The variant was inherited along the maternal allele, and the paternal allele had c.423+1G>A [ClinVar: 857476-likely pathogenic] (Riel-Romero_2005). These data indicate that the variant is likely to be associated with disease. To our knowledge, no experimental evidence demonstrating an impact on protein function has been reported. No clinical diagnostic laboratories have submitted clinical-significance assessments for this variant to ClinVar after 2014. Based on the evidence outlined above, the variant was classified as likely pathogenic.

Blueprint Genetics
Classification: Pathogenic for MLC1-related disorders. Last evaluated: 2018-07-09. Review status: criteria provided, single submitter. Criteria: ACMG Guidelines, 2015. Collection method: clinical testing. Allele origin: germline. Affected: yes. Observed: 1 variant allele.

Literature cited by the submitters: PubMed 15832614 (cited by 4 submitters); PubMed 16652334 (cited by Labcorp Genetics (formerly Invitae), Labcorp); PubMed 25497041 (cited by Labcorp Genetics (formerly Invitae), Labcorp); PubMed 31302377 (cited by Labcorp Genetics (formerly Invitae), Labcorp).

NM_015166.4(MLC1):c.251G>A (p.Arg84His)

Genes: MLC1 (modulator of VRAC current 1; minus strand), LOC125446261 (Sharpr-MPRA regulatory region 9327; plus strand). Cytogenetic location: 22q13.33.
Variant type: single nucleotide variant.
Coding change: c.251G>A on transcript NM_015166.4 (MANE Select); coding-DNA position 251, G replaced by A.
Protein change: p.Arg84His; replaces arginine 84 with histidine.
Molecular consequence: missense variant. On other transcripts: non-coding transcript variant (3), intron variant (1).
Genome position (GRCh38, 1-based): chr22:50,083,100, C>T on the plus strand (G>A on the coding strand, the complement: MLC1 is on the minus strand). VCF-style: chr22-50083100-C-T. GRCh37 (hg19) VCF-style: chr22-50521529-C-T.
Other names: c.251G>A, p.Arg84His (NM_001376472.1, NM_001376473.1, NM_001376474.1 and 9 more transcripts); c.14G>A, p.Arg5His (NM_001376484.1); c.177+1626G>A (NM_001376480.1); short protein forms R5H, R84H.
Identifiers: ClinVar variation 1331500 (VCV001331500.13), dbSNP rs1425784992, ClinGen allele CA412111556.